The following is an entry in ClinVar:

ClinVar aggregate classification (germline): Likely benign. Review status: criteria provided, multiple submitters, no conflicts (2 of 4 stars). 3 submissions from 3 submitters: Likely benign (2). 1 of the submissions does not count toward it. Last evaluated 2026-01-26.

Conditions:
TBC1D32-related disorder. Also called: TBC1D32-related condition.

Allele frequency attached by ClinVar (database versions not stated): 1000 Genomes Project 30x 0.00109; 1000 Genomes Project 0.00140; gnomAD 0.00199 and 0.00200; gnomAD exomes 0.00219 and 0.00281; TOPMed 0.00224; ExAC 0.00246; ESP Exome Variant Server 0.00258.
gnomAD v4.1: 4,376 of 1,613,462 alleles (0.27%); highest among the groups gnomAD compares: Middle Eastern, 0.58%; 10 homozygotes.

Submissions (3):

Labcorp Genetics (formerly Invitae), Labcorp
Classification: Likely benign. Last evaluated: 2026-01-26. Review status: criteria provided, single submitter. Criteria: Invitae Variant Classification Sherloc (09022015). Collection method: clinical testing. Allele origin: germline.

CeGaT Center for Human Genetics Tuebingen
Classification: Likely benign. Last evaluated: 2025-11-01. Review status: criteria provided, single submitter. Criteria: CeGaT Center For Human Genetics Tuebingen Variant Classification Criteria Version 2. Collection method: clinical testing. Allele origin: germline. Affected: yes. Observed: 1 variant allele.
Comment: TBC1D32: BP4

PreventionGenetics, part of Exact Sciences
Classification: Likely benign for TBC1D32-related condition. Last evaluated: 2022-03-09. Review status: no assertion criteria provided. Collection method: clinical testing. Allele origin: germline. Not counted in ClinVar's aggregate classification.
Comment: This variant is classified as likely benign based on ACMG/AMP sequence variant interpretation guidelines (Richards et al. 2015 PMID: 25741868, with internal and published modifications).

NM_152730.6(TBC1D32):c.2215G>A (p.Ala739Thr)

Gene: TBC1D32 (TBC1 domain family member 32; minus strand). Cytogenetic location: 6q22.31.
Variant type: single nucleotide variant.
Coding change: c.2215G>A on transcript NM_152730.6 (MANE Select); coding-DNA position 2215, G replaced by A.
Protein change: p.Ala739Thr; replaces alanine 739 with threonine.
Molecular consequence: missense variant. On other transcripts: non-coding transcript variant (1).
Genome position (GRCh38, 1-based): chr6:121,241,495, C>T on the plus strand (G>A on the coding strand, the complement: TBC1D32 is on the minus strand). VCF-style: chr6-121241495-C-T. GRCh37 (hg19) VCF-style: chr6-121562641-C-T.
Other names: c.2215G>A, p.Ala739Thr (NM_001367759.1, NM_001367760.1); short protein forms A739T.
Identifiers: ClinVar variation 724958 (VCV000724958.18), dbSNP rs191814118, ClinGen allele CA3980915.